The following is an entry in ClinVar:

NM_032273.4(TMEM126A):c.239A>C (p.Asp80Ala)

Gene: TMEM126A (transmembrane protein 126A; plus strand). Cytogenetic location: 11q14.1.
Variant type: single nucleotide variant.
Coding change: c.239A>C on transcript NM_032273.4 (MANE Select); coding-DNA position 239, A replaced by C.
Protein change: p.Asp80Ala; replaces aspartic acid 80 with alanine.
Molecular consequence: missense variant.
Genome position (GRCh38, 1-based): chr11:85,654,215, A>C. VCF-style: chr11-85654215-A-C. GRCh37 (hg19) VCF-style: chr11-85365259-A-C.
Other names: c.29A>C, p.Asp10Ala (NM_001244735.2); c.239A>C (NM_032273.3); short protein forms D10A, D80A.
Identifiers: ClinVar variation 1522589 (VCV001522589.10), dbSNP rs1387321051, ClinGen allele CA381996250.

ClinVar aggregate classification (germline): Uncertain significance. Review status: criteria provided, multiple submitters, no conflicts (2 of 4 stars). 2 submissions from 2 submitters: Uncertain significance (2). Last evaluated 2025-09-05.

Allele frequency attached by ClinVar (database versions not stated): gnomAD exomes below 0.00001 and 0.00006; TOPMed below 0.00001.
gnomAD v4.1: 82 of 1,614,236 alleles (0.0051%); highest among the groups gnomAD compares: Non-Finnish European, 0.0068%; no homozygotes.

Submissions (2):

Ambry Genetics
Classification: Uncertain significance. Last evaluated: 2025-09-05. Review status: criteria provided, single submitter. Criteria: Ambry Variant Classification Scheme 2023. Collection method: clinical testing. Allele origin: germline.

Labcorp Genetics (formerly Invitae), Labcorp
Classification: Uncertain significance. Last evaluated: 2021-04-04. Review status: criteria provided, single submitter. Criteria: Invitae Variant Classification Sherloc (09022015). Collection method: clinical testing. Allele origin: germline.
Comment: This variant is not present in population databases (ExAC no frequency). In summary, the available evidence is currently insufficient to determine the role of this variant in disease. Therefore, it has been classified as a Variant of Uncertain Significance. Algorithms developed to predict the effect of missense changes on protein structure and function (SIFT, PolyPhen-2, Align-GVGD) all suggest that this variant is likely to be tolerated, but these predictions have not been confirmed by published functional studies and their clinical significance is uncertain. This variant has not been reported in the literature in individuals with TMEM126A-related conditions. This sequence change replaces aspartic acid with alanine at codon 80 of the TMEM126A protein (p.Asp80Ala). The aspartic acid residue is weakly conserved and there is a moderate physicochemical difference between aspartic acid and alanine.